The following is an entry in ClinVar:

ClinVar aggregate classification (germline): Uncertain significance (1 of 4 stars; one submission).

Allele frequency attached by ClinVar (database versions not stated): gnomAD exomes below 0.00001.
gnomAD v4.1: 1 of 1,612,124 alleles (0.000062%); highest among the groups gnomAD compares: Non-Finnish European, 0.000085%; no homozygotes.

Submission:

GeneDx
Classification: Uncertain significance. Last evaluated: 2022-08-25. Review status: criteria provided, single submitter. Criteria: GeneDx Variant Classification Process June 2021. Collection method: clinical testing. Allele origin: germline. Affected: yes.
Comment: Not observed at significant frequency in large population cohorts (gnomAD); In silico analysis supports that this missense variant does not alter protein structure/function; Has not been previously published as pathogenic or benign to our knowledge

NM_078480.3(PUF60):c.439C>G (p.Gln147Glu)

Gene: PUF60 (poly(U) binding splicing factor 60; minus strand). Cytogenetic location: 8q24.3.
Variant type: single nucleotide variant.
Coding change: c.439C>G on transcript NM_078480.3 (MANE Select); coding-DNA position 439, C replaced by G.
Protein change: p.Gln147Glu; replaces glutamine 147 with glutamic acid.
Molecular consequence: missense variant.
Genome position (GRCh38, 1-based): chr8:143,818,444, G>C on the plus strand (C>G on the coding strand, the complement: PUF60 is on the minus strand). VCF-style: chr8-143818444-G-C. GRCh37 (hg19) VCF-style: chr8-144900614-G-C.
Other names: c.310C>G, p.Gln104Glu (NM_001136033.3); c.385C>G, p.Gln129Glu (NM_001271096.2); c.301C>G, p.Gln101Glu (NM_001271097.2); c.436C>G, p.Gln146Glu (NM_001271098.2); c.352C>G, p.Gln118Glu (NM_001271099.2); c.259C>G, p.Gln87Glu (NM_001271100.2); c.550C>G, p.Gln184Glu (NM_001362895.2, NM_001362896.2); c.499C>G, p.Gln167Glu (NM_001362897.2); and 1 more; short protein forms Q101E, Q104E, Q118E, Q129E, Q130E, Q146E, Q147E, Q167E.
Identifiers: ClinVar variation 2430448 (VCV002430448.1), dbSNP rs2538865380, ClinGen allele CA372493358.